The following is an entry in ClinVar:

ClinVar aggregate classification (germline): Uncertain significance (1 of 4 stars; one submission).

Submission:

Labcorp Genetics (formerly Invitae), Labcorp
Classification: Uncertain significance. Last evaluated: 2023-08-03. Review status: criteria provided, single submitter. Criteria: Invitae Variant Classification Sherloc (09022015). Collection method: clinical testing. Allele origin: germline.
Comment: ClinVar contains an entry for this variant (Variation ID: 1719520). In summary, the available evidence is currently insufficient to determine the role of this variant in disease. Therefore, it has been classified as a Variant of Uncertain Significance. Advanced modeling of protein sequence and biophysical properties (such as structural, functional, and spatial information, amino acid conservation, physicochemical variation, residue mobility, and thermodynamic stability) performed at Invitae indicates that this missense variant is not expected to disrupt LZTR1 protein function. This variant has not been reported in the literature in individuals affected with LZTR1-related conditions. This variant is not present in population databases (gnomAD no frequency). This sequence change replaces alanine, which is neutral and non-polar, with threonine, which is neutral and polar, at codon 335 of the LZTR1 protein (p.Ala335Thr).

NM_006767.4(LZTR1):c.1003G>A (p.Ala335Thr)

Gene: LZTR1 (leucine zipper like post translational regulator 1; plus strand). Cytogenetic location: 22q11.21.
Variant type: single nucleotide variant.
Coding change: c.1003G>A on transcript NM_006767.4 (MANE Select); coding-DNA position 1003, G replaced by A.
Protein change: p.Ala335Thr; replaces alanine 335 with threonine.
Molecular consequence: missense variant.
Genome position (GRCh38, 1-based): chr22:20,992,223, G>A. VCF-style: chr22-20992223-G-A. GRCh37 (hg19) VCF-style: chr22-21346512-G-A.
Other names: short protein forms A335T.
Identifiers: ClinVar variation 1719520 (VCV001719520.5), dbSNP rs2518617911, ClinGen allele CA410781738.